The following is an entry in ClinVar:

ClinVar aggregate classification (germline): Pathogenic (1 of 4 stars; one submission).

Submission:

Labcorp Genetics (formerly Invitae), Labcorp
Classification: Pathogenic. Last evaluated: 2025-03-24. Review status: criteria provided, single submitter. Criteria: Invitae Variant Classification Sherloc (09022015). Collection method: clinical testing. Allele origin: germline.
Comment: This sequence change replaces tyrosine, which is neutral and polar, with cysteine, which is neutral and slightly polar, at codon 1298 of the COL2A1 protein (p.Tyr1298Cys). This variant is not present in population databases (gnomAD no frequency). This missense change has been observed in individual(s) with autosomal dominant COL2A1-related conditions (internal data). In at least one individual the variant was observed to be de novo. Invitae Evidence Modeling of protein sequence and biophysical properties (such as structural, functional, and spatial information, amino acid conservation, physicochemical variation, residue mobility, and thermodynamic stability) indicates that this missense variant is expected to disrupt COL2A1 protein function with a positive predictive value of 95%. For these reasons, this variant has been classified as Pathogenic.

NM_001844.5(COL2A1):c.3893A>G (p.Tyr1298Cys)

Gene: COL2A1 (collagen type II alpha 1 chain; minus strand). Cytogenetic location: 12q13.11.
Variant type: single nucleotide variant.
Coding change: c.3893A>G on transcript NM_001844.5 (MANE Select); coding-DNA position 3893, A replaced by G.
Protein change: p.Tyr1298Cys; replaces tyrosine 1298 with cysteine.
Molecular consequence: missense variant.
Genome position (GRCh38, 1-based): chr12:47,974,856, T>C on the plus strand (A>G on the coding strand, the complement: COL2A1 is on the minus strand). VCF-style: chr12-47974856-T-C. GRCh37 (hg19) VCF-style: chr12-48368639-T-C.
Other names: c.3686A>G, p.Tyr1229Cys (NM_033150.3); short protein forms Y1298C, Y1229C.
Identifiers: ClinVar variation 4747044 (VCV004747044.1).